The following is an entry in ClinVar:

ClinVar aggregate classification (germline): Uncertain significance (0 of 4 stars; one submission).

Conditions:
CREBBP-related disorder. Also called: CREBBP-related condition; CREBBP-related disorders.

Submission:

PreventionGenetics, part of Exact Sciences
Classification: Uncertain significance for CREBBP-related condition. Last evaluated: 2024-03-28. Review status: no assertion criteria provided. Collection method: clinical testing. Allele origin: germline.
Comment: The CREBBP c.6005T>C variant is predicted to result in the amino acid substitution p.Val2002Ala. To our knowledge, this variant has not been reported in the literature or in a large population database, indicating this variant is rare. At this time, the clinical significance of this variant is uncertain due to the absence of conclusive functional and genetic evidence.

NM_004380.3(CREBBP):c.6005T>C (p.Val2002Ala)

Gene: CREBBP (CREB binding lysine acetyltransferase; minus strand). Cytogenetic location: 16p13.3.
Variant type: single nucleotide variant.
Coding change: c.6005T>C on transcript NM_004380.3 (MANE Select); coding-DNA position 6005, T replaced by C.
Protein change: p.Val2002Ala; replaces valine 2002 with alanine.
Molecular consequence: missense variant.
Genome position (GRCh38, 1-based): chr16:3,729,042, A>G on the plus strand (T>C on the coding strand, the complement: CREBBP is on the minus strand). VCF-style: chr16-3729042-A-G. GRCh37 (hg19) VCF-style: chr16-3779043-A-G.
Other names: c.5891T>C, p.Val1964Ala (NM_001079846.1); short protein forms V1964A, V2002A.
Identifiers: ClinVar variation 3348343 (VCV003348343.1).